The following is an entry in ClinVar:

ClinVar aggregate classification (germline): Uncertain significance (1 of 4 stars; one submission).

Conditions:
Hereditary cancer-predisposing syndrome. Also called: Neoplastic Syndromes, Hereditary; Tumor predisposition; Hereditary neoplastic syndrome; Hereditary Cancer Syndrome. Identifiers: Orphanet 140162, MedGen C0027672, MeSH D009386, MONDO:0015356.

Submission:

Ambry Genetics
Classification: Uncertain significance for Hereditary cancer-predisposing syndrome. Last evaluated: 2025-09-01. Review status: criteria provided, single submitter. Criteria: Ambry Variant Classification Scheme 2023. Collection method: clinical testing. Allele origin: germline.
Comment: The p.M2357V variant (also known as c.7069A>G), located in coding exon 47 of the ATM gene, results from an A to G substitution at nucleotide position 7069. The methionine at codon 2357 is replaced by valine, an amino acid with highly similar properties. This amino acid position is conserved. In addition, the in silico prediction for this alteration is inconclusive. Based on the available evidence, the clinical significance of this variant remains unclear.

NM_000051.4(ATM):c.7069A>G (p.Met2357Val)

Genes: ATM (ATM serine/threonine kinase; plus strand), C11orf65 (chromosome 11 open reading frame 65; minus strand). Cytogenetic location: 11q22.3.
Variant type: single nucleotide variant.
Coding change: c.7069A>G on transcript NM_000051.4 (MANE Select); coding-DNA position 7069, A replaced by G.
Protein change: p.Met2357Val; replaces methionine 2357 with valine.
Molecular consequence: missense variant. On other transcripts: intron variant (2).
Genome position (GRCh38, 1-based): chr11:108,327,738, A>G. VCF-style: chr11-108327738-A-G. GRCh37 (hg19) VCF-style: chr11-108198465-A-G.
Other names: c.7069A>G, p.Met2357Val (NM_001351834.2); c.641-18667T>C (NM_001330368.2); c.*38+7482T>C (NM_001351110.2); short protein forms M2357V.
Identifiers: ClinVar variation 4170409 (VCV004170409.1).